The following is an entry in ClinVar:

ClinVar aggregate classification (germline): Conflicting classifications of pathogenicity. Review status: criteria provided, conflicting classifications (1 of 4 stars). 5 submissions from 5 submitters: Uncertain significance (3); Likely benign (2). Last evaluated 2026-03-03.

Conditions:
Citrullinemia type II. Also called: Citrullinemia Type II (CTLN2). Identifiers: Orphanet 247585, MedGen C1863844, MONDO:0016603.
Citrin deficiency. Identifiers: Orphanet 247582, MedGen C1997910, MONDO:0016602.
SLC25A13-related disorder. Also called: SLC25A13-related condition.

Allele frequency attached by ClinVar (database versions not stated): gnomAD exomes 0.00005 and 0.00019; gnomAD 0.00006; TOPMed 0.00008; 1000 Genomes Project 30x 0.00016; ExAC 0.00017; 1000 Genomes Project 0.00020.
gnomAD v4.1: 78 of 1,612,868 alleles (0.0048%); highest among the groups gnomAD compares: East Asian, 0.15%; no homozygotes.

Submissions (5):

PreventionGenetics, part of Exact Sciences
Classification: Uncertain significance for SLC25A13-related condition. Last evaluated: 2026-03-03. Review status: criteria provided, single submitter. Criteria: ACMG Guidelines, 2015. Collection method: clinical testing. Allele origin: germline.
Comment: The SLC25A13 c.790G>A variant is predicted to result in the amino acid substitution p.Val264Ile. This variant was reported in the compound heterozygote state in an individual with Citrin deficiency (Zeng et al 2014. PubMed ID: 25216257). This variant is reported in 0.26% of alleles in individuals of East Asian descent in gnomAD. Although we suspect that this variant may be benign, at this time, the clinical significance of this variant is uncertain due to the absence of conclusive functional and genetic evidence.

Labcorp Genetics (formerly Invitae), Labcorp
Classification: Likely benign for Citrin deficiency. Last evaluated: 2026-02-03. Review status: criteria provided, single submitter. Criteria: Invitae Variant Classification Sherloc (09022015). Collection method: clinical testing. Allele origin: germline.

Women's Health and Genetics/Laboratory Corporation of America, LabCorp
Classification: Likely benign. Last evaluated: 2022-04-07. Review status: criteria provided, single submitter. Criteria: LabCorp Variant Classification Summary - May 2015. Collection method: clinical testing. Allele origin: germline.
Comment: Variant summary: SLC25A13 c.790G>A (p.Val264Ile) results in a conservative amino acid change in the encoded protein sequence. Four of five in-silico tools predict a benign effect of the variant on protein function. The variant allele was found at a frequency of 0.00019 in 251398 control chromosomes, predominantly at a frequency of 0.0026 within the East Asian subpopulation in the gnomAD database. The observed variant frequency within East Asian control individuals in the gnomAD database is approximately 2.3 fold of the estimated maximal expected allele frequency for a pathogenic variant in SLC25A13 causing Citrullinemia Type II phenotype (0.0011), strongly suggesting that the variant is a benign polymorphism found primarily in populations of East Asian origin. Since the penetrance of Citrin deficiency/Citrullinemia Type II due to this variant appears to be lower than expected, no conclusions can be drawn from these data. To our knowledge, no experimental evidence demonstrating an impact on protein function has been reported. Three clinical diagnostic laboratories have submitted clinical-significance assessments for this variant to ClinVar after 2014 without evidence for independent evaluation (VUS, n=2; Likely Benign, n=1). Based on the evidence outlined above, the variant was classified as likely benign.

Eurofins Ntd Llc (ga)
Classification: Uncertain significance. Last evaluated: 2017-12-12. Review status: criteria provided, single submitter. Criteria: EGL Classification Definitions 2015. Collection method: clinical testing. Allele origin: germline. Observed: 1 variant allele, 1 heterozygote.

Illumina Laboratory Services, Illumina
Classification: Uncertain significance for Citrullinemia, type II, adult-onset. Last evaluated: 2017-04-28. Review status: criteria provided, single submitter. Criteria: ICSL Variant Classification Criteria 13 December 2019. Collection method: clinical testing. Allele origin: germline.
Comment: This variant was observed as part of a predisposition screen in an ostensibly healthy population. A literature search was performed for the gene, cDNA change, and amino acid change (where applicable). Publications were found based on this search. However, the evidence from the literature, in combination with allele frequency data from public databases where available, was not sufficient to rule this variant in or out of causing disease. Therefore, this variant is classified as a variant of unknown significance.

Literature cited by the submitters: PubMed 25216257 (cited by Women's Health and Genetics/Laboratory Corporation of America, LabCorp and Illumina Laboratory Services, Illumina); PubMed 27405544 (cited by Women's Health and Genetics/Laboratory Corporation of America, LabCorp).

NM_014251.3(SLC25A13):c.790G>A (p.Val264Ile)

Gene: SLC25A13 (solute carrier family 25 member 13; minus strand). Cytogenetic location: 7q21.3.
Variant type: single nucleotide variant.
Coding change: c.790G>A on transcript NM_014251.3 (MANE Select); coding-DNA position 790, G replaced by A.
Protein change: p.Val264Ile; replaces valine 264 with isoleucine.
Molecular consequence: missense variant. On other transcripts: non-coding transcript variant (1).
Genome position (GRCh38, 1-based): chr7:96,189,639, C>T on the plus strand (G>A on the coding strand, the complement: SLC25A13 is on the minus strand). VCF-style: chr7-96189639-C-T. GRCh37 (hg19) VCF-style: chr7-95818951-C-T.
Other names: c.790G>A, p.Val264Ile (NM_001160210.2); short protein forms V264I.
Identifiers: ClinVar variation 595411 (VCV000595411.20), dbSNP rs531991442, ClinGen allele CA4353156.